The following is an entry in ClinVar:

NM_004187.5(KDM5C):c.2947_2953dup (p.Glu985fs)

Gene: KDM5C (lysine demethylase 5C; minus strand). Cytogenetic location: Xp11.22.
Variant type: Duplication.
Coding change: c.2947_2953dup on transcript NM_004187.5 (MANE Select); coding-DNA positions 2947 to 2953, 7 bases duplicated (TGGGAGG; older notation c.2947_2953dupTGGGAGG).
Protein change: p.Glu985fs; shifts the reading frame from glutamic acid 985.
Molecular consequence: frameshift variant. On other transcripts: non-coding transcript variant (3).
Genome position (GRCh38, 1-based): chrX:53,196,714-53,196,720, CCTCCCA duplicated on the plus strand (TGGGAGG on the coding strand, the reverse complement: KDM5C is on the minus strand). VCF-style (leftmost placement, unchanged base first): chrX-53196713-T-TCCTCCCA. GRCh37 (hg19) VCF-style: chrX-53225895-T-TCCTCCCA.
Other names: c.2746_2752dup, p.Glu918fs (NM_001146702.2); c.2944_2950dup, p.Glu984fs (NM_001282622.3, NM_001353979.2, NM_001353982.2); c.2947_2953dup, p.Glu985fs (NM_001353978.3, NM_001353981.2, NM_001353984.2); short protein forms E918fs, E984fs, E985fs.
Identifiers: ClinVar variation 3345775 (VCV003345775.1).

ClinVar aggregate classification (germline): Pathogenic (0 of 4 stars; one submission).

Conditions:
KDM5C-related disorder. Also called: KDM5C-related condition.

Submission:

PreventionGenetics, part of Exact Sciences
Classification: Pathogenic for KDM5C-related condition. Last evaluated: 2024-05-23. Review status: no assertion criteria provided. Collection method: clinical testing. Allele origin: germline.
Comment: The KDM5C c.2947_2953dup7 variant is predicted to result in a frameshift and premature protein termination (p.Glu985Valfs*21). To our knowledge, this variant has not been reported in the literature or in a large population database, indicating this variant is rare. Frameshift variants in KDM5C are expected to be pathogenic. This variant is interpreted as pathogenic.